The following is an entry in ClinVar:

NM_000722.4(CACNA2D1):c.231G>T (p.Gln77His)

Gene: CACNA2D1 (calcium voltage-gated channel auxiliary subunit alpha2delta 1; minus strand). Cytogenetic location: 7q21.11.
Variant type: single nucleotide variant.
Coding change: c.231G>T on transcript NM_000722.4 (MANE Select); coding-DNA position 231, G replaced by T.
Protein change: p.Gln77His; replaces glutamine 77 with histidine.
Molecular consequence: missense variant.
Genome position (GRCh38, 1-based): chr7:82,335,198, C>A on the plus strand (G>T on the coding strand, the complement: CACNA2D1 is on the minus strand). VCF-style: chr7-82335198-C-A. GRCh37 (hg19) VCF-style: chr7-81964514-C-A.
Other names: c.231G>T, p.Gln77His (NM_001302890.2, NM_001366867.1); short protein forms Q77H.
Identifiers: ClinVar variation 2574015 (VCV002574015.5), dbSNP rs770723145, ClinGen allele CA4318441.

ClinVar aggregate classification (germline): Uncertain significance. Review status: criteria provided, multiple submitters, no conflicts (2 of 4 stars). 3 submissions from 3 submitters: Uncertain significance (3). Last evaluated 2025-10-08.

Conditions:
Cardiovascular phenotype. Identifiers: MedGen CN230736.
Long QT syndrome (LQTS). Identifiers: MedGen C0023976, MeSH D008133, MONDO:0002442. Disease mechanism: loss of function. Inheritance: Various modes of inheritance.
Brugada syndrome. Also called: Sudden unexpected nocturnal death syndrome; Sudden unexplained nocturnal death syndrome; Sudden Unexplained Death Syndrome; Sudden Unexplained Nocturnal Death Syndrome (SUNDS). Identifiers: Orphanet 130, MedGen C1142166, MONDO:0015263.

Allele frequency attached by ClinVar (database versions not stated): gnomAD exomes below 0.00001; TOPMed below 0.00001; ExAC 0.00001; gnomAD 0.00001.
gnomAD v4.1: 7 of 1,613,294 alleles (0.00043%); highest among the groups gnomAD compares: South Asian, 0.0022%; no homozygotes.

Submissions (3):

Labcorp Genetics (formerly Invitae), Labcorp
Classification: Uncertain significance for Brugada syndrome. Last evaluated: 2025-10-08. Review status: criteria provided, single submitter. Criteria: Invitae Variant Classification Sherloc (09022015). Collection method: clinical testing. Allele origin: germline.
Comment: This sequence change replaces glutamine, which is neutral and polar, with histidine, which is basic and polar, at codon 77 of the CACNA2D1 protein (p.Gln77His). This variant is present in population databases (rs770723145, gnomAD 0.003%). This variant has not been reported in the literature in individuals affected with CACNA2D1-related conditions. ClinVar contains an entry for this variant (Variation ID: 2574015). An algorithm developed to predict the effect of missense changes on protein structure and function (PolyPhen-2) suggests that this variant is likely to be disruptive. In summary, the available evidence is currently insufficient to determine the role of this variant in disease. Therefore, it has been classified as a Variant of Uncertain Significance.

Dept of Medical Biology, Uskudar University
Classification: Uncertain significance for Long QT syndrome. Last evaluated: 2024-01-08. Review status: criteria provided, single submitter. Criteria: Dept of Medical Biology Variant Classification. Collection method: research. Allele origin: paternal. Affected: yes. Observed: 1 variant allele.
Comment: Criteria: PM2, PP3

Ambry Genetics
Classification: Uncertain significance for Cardiovascular phenotype. Last evaluated: 2022-11-27. Review status: criteria provided, single submitter. Criteria: Ambry Variant Classification Scheme 2023. Collection method: clinical testing. Allele origin: germline.
Comment: The p.Q77H variant (also known as c.231G>T), located in coding exon 3 of the CACNA2D1 gene, results from a G to T substitution at nucleotide position 231. The glutamine at codon 77 is replaced by histidine, an amino acid with highly similar properties. This amino acid position is conserved. In addition, this alteration is predicted to be tolerated by in silico analysis. Since supporting evidence is limited at this time, the clinical significance of this alteration remains unclear.